The following is an entry in ClinVar:

ClinVar aggregate classification (germline): Benign. Review status: criteria provided, multiple submitters, no conflicts (2 of 4 stars). 3 submissions from 3 submitters: Benign (2). 1 of the submissions does not count toward it. Last evaluated 2019-12-31.

Conditions:
KCTD18-related disorder. Also called: KCTD18-related condition.

Allele frequency attached by ClinVar (database versions not stated): ExAC 0.00625; gnomAD 0.01900 and 0.02025; TOPMed 0.02082; ESP Exome Variant Server 0.02091; 1000 Genomes Project 0.02576; 1000 Genomes Project 30x 0.02701.
gnomAD v4.1: 5,416 of 1,614,192 alleles (0.34%); highest among the groups gnomAD compares: African/African-American, 6.1%; 155 homozygotes.

Submissions (3):

Labcorp Genetics (formerly Invitae), Labcorp
Classification: Benign. Last evaluated: 2019-12-31. Review status: criteria provided, single submitter. Criteria: Invitae Variant Classification Sherloc (09022015). Collection method: clinical testing. Allele origin: germline.

Breakthrough Genomics
Classification: Benign. Review status: criteria provided, single submitter. Criteria: ACMG Guidelines, 2015. Collection method: not provided. Allele origin: germline. Inheritance: Unknown mechanism. Affected: yes.

PreventionGenetics, part of Exact Sciences
Classification: Benign for KCTD18-related condition. Last evaluated: 2019-07-12. Review status: no assertion criteria provided. Collection method: clinical testing. Allele origin: germline. Not counted in ClinVar's aggregate classification.
Comment: This variant is classified as benign based on ACMG/AMP sequence variant interpretation guidelines (Richards et al. 2015 PMID: 25741868, with internal and published modifications).

NM_152387.4(KCTD18):c.1006G>T (p.Gly336Cys)

Gene: KCTD18 (potassium channel tetramerization domain containing 18; minus strand). Cytogenetic location: 2q33.1.
Variant type: single nucleotide variant.
Coding change: c.1006G>T on transcript NM_152387.4 (MANE Select); coding-DNA position 1006, G replaced by T.
Protein change: p.Gly336Cys; replaces glycine 336 with cysteine.
Molecular consequence: missense variant.
Genome position (GRCh38, 1-based): chr2:200,490,375, C>A on the plus strand (G>T on the coding strand, the complement: KCTD18 is on the minus strand). VCF-style: chr2-200490375-C-A. GRCh37 (hg19) VCF-style: chr2-201355098-C-A.
Other names: c.1006G>T, p.Gly336Cys (NM_001321547.2); c.379G>T, p.Gly127Cys (NM_001321548.2, NM_001321550.2); c.1006G>T (NM_152387.3); short protein forms G336C, G127C.
Identifiers: ClinVar variation 775805 (VCV000775805.7), dbSNP rs10203154, ClinGen allele CA2047533.